The following is an entry in ClinVar:

ClinVar aggregate classification (germline): Uncertain significance (1 of 4 stars; one submission).

Conditions:
DYRK1A-related intellectual disability syndrome (MRD7). Also called: Intellectual developmental disorder, autosomal dominant 7; DYRK1A Syndrome. Identifiers: Orphanet 464306, MedGen C5568143, MONDO:0013578, OMIM 614104.

Allele frequency attached by ClinVar (database versions not stated): ExAC 0.00001; gnomAD 0.00001; TOPMed 0.00001; 1000 Genomes Project 30x 0.00016.
gnomAD v4.1: 1 of 1,614,236 alleles (0.000062%); highest among the groups gnomAD compares: African/African-American, 0.0013%; no homozygotes.

Submission:

Labcorp Genetics (formerly Invitae), Labcorp
Classification: Uncertain significance for DYRK1A-related intellectual disability syndrome. Last evaluated: 2025-08-21. Review status: criteria provided, single submitter. Criteria: Invitae Variant Classification Sherloc (09022015). Collection method: clinical testing. Allele origin: germline.
Comment: This sequence change replaces proline, which is neutral and non-polar, with threonine, which is neutral and polar, at codon 708 of the DYRK1A protein (p.Pro708Thr). This variant is not present in population databases (gnomAD no frequency). This variant has not been reported in the literature in individuals affected with DYRK1A-related conditions. ClinVar contains an entry for this variant (Variation ID: 2759512). Invitae Evidence Modeling of protein sequence and biophysical properties (such as structural, functional, and spatial information, amino acid conservation, physicochemical variation, residue mobility, and thermodynamic stability) indicates that this missense variant is not expected to disrupt DYRK1A protein function with a negative predictive value of 95%. In summary, the available evidence is currently insufficient to determine the role of this variant in disease. Therefore, it has been classified as a Variant of Uncertain Significance.

NM_001347721.2(DYRK1A):c.2095C>A (p.Pro699Thr)

Gene: DYRK1A (dual specificity tyrosine phosphorylation regulated kinase 1A; plus strand). Cytogenetic location: 21q22.13.
Variant type: single nucleotide variant.
Coding change: c.2095C>A on transcript NM_001347721.2 (MANE Select); coding-DNA position 2095, C replaced by A.
Protein change: p.Pro699Thr; replaces proline 699 with threonine.
Molecular consequence: missense variant. On other transcripts: 3 prime UTR variant (2).
Genome position (GRCh38, 1-based): chr21:37,512,361, C>A. VCF-style: chr21-37512361-C-A. GRCh37 (hg19) VCF-style: chr21-38884664-C-A.
Other names: c.2095C>A, p.Pro699Thr (NM_001347722.2, NM_130436.2); c.2008C>A, p.Pro670Thr (NM_001347723.2); c.2122C>A, p.Pro708Thr (NM_001396.5); c.*498C>A (NM_101395.2); c.*407C>A (NM_130438.2); short protein forms P670T, P699T, P708T.
Identifiers: ClinVar variation 2759512 (VCV002759512.3), dbSNP rs755442210, ClinGen allele CA10024165.